The following is an entry in ClinVar:

NM_152383.5(DIS3L2):c.104A>G (p.Lys35Arg)

Gene: DIS3L2 (DIS3 like 3'-5' exoribonuclease 2; plus strand). Cytogenetic location: 2q37.1.
Variant type: single nucleotide variant.
Coding change: c.104A>G on transcript NM_152383.5 (MANE Select); coding-DNA position 104, A replaced by G.
Protein change: p.Lys35Arg; replaces lysine 35 with arginine.
Molecular consequence: missense variant. On other transcripts: non-coding transcript variant (2).
Genome position (GRCh38, 1-based): chr2:232,015,565, A>G. VCF-style: chr2-232015565-A-G. GRCh37 (hg19) VCF-style: chr2-232880275-A-G.
Other names: c.104A>G, p.Lys35Arg (NM_001257281.2, NM_001257282.2); short protein forms K35R.
Identifiers: ClinVar variation 959437 (VCV000959437.9), dbSNP rs1694330394, ClinGen allele CA351151903.

ClinVar aggregate classification (germline): Uncertain significance (1 of 4 stars; one submission).

Conditions:
Perlman syndrome (PRLMNS). Identifiers: Orphanet 2849, MedGen C0796113, MONDO:0009965, OMIM 267000.

Allele frequency attached by ClinVar (database versions not stated): gnomAD 0.00001.

Submission:

Labcorp Genetics (formerly Invitae), Labcorp
Classification: Uncertain significance for Perlman syndrome. Last evaluated: 2020-10-21. Review status: criteria provided, single submitter. Criteria: Invitae Variant Classification Sherloc (09022015). Collection method: clinical testing. Allele origin: germline.
Comment: This sequence change replaces lysine with arginine at codon 35 of the DIS3L2 protein (p.Lys35Arg). The lysine residue is weakly conserved and there is a small physicochemical difference between lysine and arginine. In summary, the available evidence is currently insufficient to determine the role of this variant in disease. Therefore, it has been classified as a Variant of Uncertain Significance. Algorithms developed to predict the effect of missense changes on protein structure and function output the following: SIFT: "Tolerated"; PolyPhen-2: "Benign"; Align-GVGD: "Class C0". The arginine amino acid residue is found in multiple mammalian species, suggesting that this missense change does not adversely affect protein function. These predictions have not been confirmed by published functional studies and their clinical significance is uncertain. This variant has not been reported in the literature in individuals with DIS3L2-related conditions. This variant is not present in population databases (ExAC no frequency).